The following is an entry in ClinVar:

ClinVar aggregate classification (germline): Uncertain significance. Review status: criteria provided, multiple submitters, no conflicts (2 of 4 stars). 7 submissions from 7 submitters: Uncertain significance (6). 1 of the submissions does not count toward it. Last evaluated 2024-09-26.

Conditions:
Polycystic kidney disease 4 (PKD4). Also called: POLYCYSTIC KIDNEY AND HEPATIC DISEASE 1; POLYCYSTIC KIDNEY DISEASE, INFANTILE, TYPE I; POLYCYSTIC KIDNEY DISEASE 4 WITH OR WITHOUT POLYCYSTIC LIVER DISEASE; PKD3; Autosomal Recessive Polycystic Kidney Disease – PKHD1. Identifiers: MedGen C4540575, MONDO:0033004, OMIM 263200.
Inborn genetic diseases. Identifiers: MedGen C0950123, MeSH D030342.
Autosomal recessive polycystic kidney disease (ARPKD). Also called: AR polycystic kidney disease. Identifiers: Orphanet 731, Orphanet 8378, MedGen C0085548, MeSH D017044, MONDO:0009889.

Allele frequency attached by ClinVar (database versions not stated): TOPMed 0.00012; ExAC 0.00019; gnomAD 0.00019; ESP Exome Variant Server 0.00023.
gnomAD v4.1: 286 of 1,613,784 alleles (0.018%); highest among the groups gnomAD compares: Non-Finnish European, 0.022%; no homozygotes.

Submissions (7):

Blueprint Genetics
Classification: Uncertain significance. Last evaluated: 2024-09-26. Review status: criteria provided, single submitter. Criteria: ACMG Guidelines, 2015. Collection method: clinical testing. Allele origin: germline.

Fulgent Genetics
Classification: Uncertain significance for Polycystic kidney disease 4. Last evaluated: 2024-06-25. Review status: criteria provided, single submitter. Criteria: ACMG Guidelines, 2015. Collection method: clinical testing. Allele origin: germline.

Mayo Clinic Laboratories, Mayo Clinic
Classification: Uncertain significance. Last evaluated: 2023-01-18. Review status: criteria provided, single submitter. Criteria: ACMG Guidelines, 2015. Collection method: clinical testing. Allele origin: germline. Observed: 3 variant alleles.
Comment: PM2

GeneDx
Classification: Uncertain significance. Last evaluated: 2022-11-26. Review status: criteria provided, single submitter. Criteria: GeneDx Variant Classification Process June 2021. Collection method: clinical testing. Allele origin: germline. Affected: yes.
Comment: Reported with a pathogenic variant on the opposite allele (in trans) in a fetus with cardiac abnormalities as secondary findings in published literature; however, no clinical information on renal status was provided (Becher et al., 2020); In silico analysis supports that this missense variant has a deleterious effect on protein structure/function; This variant is associated with the following publications: (PMID: 32304219)

Labcorp Genetics (formerly Invitae), Labcorp
Classification: Uncertain significance for Autosomal recessive polycystic kidney disease. Last evaluated: 2022-06-24. Review status: criteria provided, single submitter. Criteria: Invitae Variant Classification Sherloc (09022015). Collection method: clinical testing. Allele origin: germline.
Comment: This sequence change replaces glycine, which is neutral and non-polar, with tryptophan, which is neutral and slightly polar, at codon 573 of the PKHD1 protein (p.Gly573Trp). This variant is present in population databases (rs143867809, gnomAD 0.04%). This variant has not been reported in the literature in individuals affected with PKHD1-related conditions. ClinVar contains an entry for this variant (Variation ID: 406883). Advanced modeling of protein sequence and biophysical properties (such as structural, functional, and spatial information, amino acid conservation, physicochemical variation, residue mobility, and thermodynamic stability) performed at Invitae indicates that this missense variant is expected to disrupt PKHD1 protein function. In summary, the available evidence is currently insufficient to determine the role of this variant in disease. Therefore, it has been classified as a Variant of Uncertain Significance.

Ambry Genetics
Classification: Uncertain significance for Inborn genetic diseases. Last evaluated: 2021-12-03. Review status: criteria provided, single submitter. Criteria: Ambry Variant Classification Scheme 2023. Collection method: clinical testing. Allele origin: germline.

Natera, Inc.
Classification: Uncertain significance for Autosomal recessive polycystic kidney disease. Last evaluated: 2017-08-10. Review status: no assertion criteria provided. Collection method: clinical testing. Allele origin: germline. Not counted in ClinVar's aggregate classification.

Literature cited by the submitters: PubMed 32304219 (cited by Mayo Clinic Laboratories, Mayo Clinic).

NM_138694.4(PKHD1):c.1717G>T (p.Gly573Trp)

Gene: PKHD1 (PKHD1 ciliary IPT domain containing fibrocystin/polyductin; minus strand). Cytogenetic location: 6p12.2.
Variant type: single nucleotide variant.
Coding change: c.1717G>T on transcript NM_138694.4 (MANE Select); coding-DNA position 1717, G replaced by T.
Protein change: p.Gly573Trp; replaces glycine 573 with tryptophan.
Molecular consequence: missense variant.
Genome position (GRCh38, 1-based): chr6:52,055,706, C>A on the plus strand (G>T on the coding strand, the complement: PKHD1 is on the minus strand). VCF-style: chr6-52055706-C-A. GRCh37 (hg19) VCF-style: chr6-51920504-C-A.
Other names: p.Gly573Trp; c.1717G>T, p.Gly573Trp (NM_170724.3); short protein forms G573W.
Identifiers: ClinVar variation 406883 (VCV000406883.10), dbSNP rs143867809, ClinGen allele CA3853461.